The following is an entry in ClinVar:

ClinVar aggregate classification (germline): Uncertain significance. Review status: criteria provided, multiple submitters, no conflicts (2 of 4 stars). 2 submissions from 2 submitters: Uncertain significance (2). Last evaluated 2025-02-21.

Conditions:
Muscular dystrophy-dystroglycanopathy (limb-girdle), type C, 8. Also called: MUSCULAR DYSTROPHY, LIMB-GIRDLE, AUTOSOMAL RECESSIVE 24; MUSCULAR DYSTROPHY-DYSTROGLYCANOPATHY, LIMB-GIRDLE, POMGNT2-RELATED. Identifiers: MedGen C4748320, MONDO:0029135, OMIM 618135.
Muscular dystrophy-dystroglycanopathy (congenital with brain and eye anomalies), type a, 8 (MDDGA8). Also called: WALKER-WARBURG SYNDROME OR MUSCLE-EYE-BRAIN DISEASE, GTDC2-RELATED. Identifiers: Orphanet 899, MedGen C3553813, MONDO:0013904, OMIM 614830.

Allele frequency attached by ClinVar (database versions not stated): ExAC 0.00002; TOPMed 0.00002; gnomAD 0.00005; 1000 Genomes Project 0.00040; 1000 Genomes Project 30x 0.00047.
gnomAD v4.1: 42 of 1,614,170 alleles (0.0026%); highest among the groups gnomAD compares: Admixed American, 0.0033%; no homozygotes.

Submissions (2):

3billion
Classification: Uncertain significance for Muscular dystrophy-dystroglycanopathy (limb-girdle), type C, 8. Last evaluated: 2025-02-21. Review status: criteria provided, single submitter. Criteria: ACMG Guidelines, 2015. Collection method: clinical testing. Allele origin: germline. Affected: yes.
Comment: The variant is observed at an extremely low frequency in the gnomAD v4.1.0 dataset (total allele frequency: 0.003%). Predicted Consequence/Location: Missense variant. The majority of the known disease-causing variants of this gene are variants expected to result in premature termination of the protein. Damaging effect on gene or gene product predicted by in silico programs is uncertain [REVEL: 0.58 (damaging >=0.6, benign <0.4), 3Cnet: 0.67 (damaging >=0.6, benign <0.15)]. A different missense change at the same codon (p.Arg561Cys) has been reported to be associated with POMGNT2-related disorder (PMID: 35131284). However the evidence of pathogenicity is insufficient at this time. Therefore, this variant is classified as VUS according to the recommendation of ACMG/AMP guideline.

Labcorp Genetics (formerly Invitae), Labcorp
Classification: Uncertain significance for Muscular dystrophy-dystroglycanopathy (congenital with brain and eye anomalies), type a, 8. Last evaluated: 2022-08-09. Review status: criteria provided, single submitter. Criteria: Invitae Variant Classification Sherloc (09022015). Collection method: clinical testing. Allele origin: germline.
Comment: In summary, the available evidence is currently insufficient to determine the role of this variant in disease. Therefore, it has been classified as a Variant of Uncertain Significance. This sequence change replaces arginine, which is basic and polar, with histidine, which is basic and polar, at codon 561 of the POMGNT2 protein (p.Arg561His). Algorithms developed to predict the effect of missense changes on protein structure and function are either unavailable or do not agree on the potential impact of this missense change (SIFT: "Deleterious"; PolyPhen-2: "Benign"; Align-GVGD: "Class C25"). This variant has not been reported in the literature in individuals affected with POMGNT2-related conditions. This variant is present in population databases (rs548471239, gnomAD 0.004%).

Literature cited by the submitters: PubMed 35131284 (cited by 3billion).

NM_032806.6(POMGNT2):c.1682G>A (p.Arg561His)

Gene: POMGNT2 (protein O-linked mannose N-acetylglucosaminyltransferase 2 (beta 1,4-); minus strand). Cytogenetic location: 3p22.1.
Variant type: single nucleotide variant.
Coding change: c.1682G>A on transcript NM_032806.6 (MANE Select); coding-DNA position 1682, G replaced by A.
Protein change: p.Arg561His; replaces arginine 561 with histidine.
Molecular consequence: missense variant.
Genome position (GRCh38, 1-based): chr3:43,079,750, C>T on the plus strand (G>A on the coding strand, the complement: POMGNT2 is on the minus strand). VCF-style: chr3-43079750-C-T. GRCh37 (hg19) VCF-style: chr3-43121242-C-T.
Other names: short protein forms R561H.
Identifiers: ClinVar variation 2161912 (VCV002161912.5), dbSNP rs548471239, ClinGen allele CA2339808.